The following is an entry in ClinVar:

ClinVar aggregate classification (germline): Conflicting classifications of pathogenicity. Review status: criteria provided, conflicting classifications (1 of 4 stars). 3 submissions from 3 submitters: Uncertain significance (1); Likely benign (2). Last evaluated 2025-10-29.

Allele frequency attached by ClinVar (database versions not stated): gnomAD 0.00025 and 0.00026; TOPMed 0.00025; ESP Exome Variant Server 0.00031; gnomAD exomes 0.00035 and 0.00039; ExAC 0.00044.
gnomAD v4.1: 562 of 1,613,840 alleles (0.035%); highest among the groups gnomAD compares: Middle Eastern, 0.099%; 1 homozygote.

Submissions (3):

Labcorp Genetics (formerly Invitae), Labcorp
Classification: Likely benign. Last evaluated: 2025-10-29. Review status: criteria provided, single submitter. Criteria: Invitae Variant Classification Sherloc (09022015). Collection method: clinical testing. Allele origin: germline.

CeGaT Center for Human Genetics Tuebingen
Classification: Likely benign. Last evaluated: 2023-03-01. Review status: criteria provided, single submitter. Criteria: CeGaT Center For Human Genetics Tuebingen Variant Classification Criteria Version 2. Collection method: clinical testing. Allele origin: germline. Affected: yes. Observed: 2 variant alleles.
Comment: POC1A: BP4, BP7

Genetic Services Laboratory, University of Chicago
Classification: Uncertain significance. Last evaluated: 2015-06-16. Review status: criteria provided, single submitter. Criteria: ACMG Guidelines, 2015. Collection method: clinical testing. Allele origin: germline.

NM_015426.5(POC1A):c.159C>T (p.Arg53=)

Gene: POC1A (POC1 centriolar protein A; minus strand). Cytogenetic location: 3p21.2.
Variant type: single nucleotide variant.
Coding change: c.159C>T on transcript NM_015426.5 (MANE Select); coding-DNA position 159, C replaced by T.
Protein change: p.Arg53=; no amino-acid change (arginine 53 retained).
Molecular consequence: synonymous variant.
Genome position (GRCh38, 1-based): chr3:52,149,932, G>A on the plus strand (C>T on the coding strand, the complement: POC1A is on the minus strand). VCF-style: chr3-52149932-G-A. GRCh37 (hg19) VCF-style: chr3-52183948-G-A.
Other names: c.159C>T, p.Arg53= (NM_001161580.2); c.45C>T, p.Arg15= (NM_001161581.2).
Identifiers: ClinVar variation 211925 (VCV000211925.38), dbSNP rs377711159, ClinGen allele CA206322.
Genomic context (GRCh38, chr3:52,149,932, plus strand): 5'-TCCCGAAGGAGAGAAGTTCACACAGGTGACGGCATCCTTGTGGCCAGTGAAGCGGTAGGC[G>A]CGTGACTGCGGCTTCATGTGCCAGACCATGAGGCATGAGTCCATGGAGCCACTGGCTGAG-3'
Protein context (NP_056241.3, residues 43-63): LMVWHMKPQS[Arg53=]AYRFTGHKDA